The following is an entry in ClinVar:

NM_005216.5(DDOST):c.1053GAA[2] (p.Lys354del)

Gene: DDOST (dolichyl-diphosphooligosaccharide--protein glycosyltransferase non-catalytic subunit; minus strand). Cytogenetic location: 1p36.12.
Variant type: Microsatellite.
Coding change: c.1053GAA[2] on transcript NM_005216.5 (MANE Select); two copies in a row of the 3-base unit GAA starting at c.1053; the reference has three copies in a row; one copy, 3 bases deleted.
Protein change: p.Lys354del; deletes lysine 354.
Molecular consequence: inframe deletion.
Genome position (GRCh38, 1-based): chr1:20,652,853-20,652,855, TTC deleted on the plus strand (GAA on the coding strand, the reverse complement: DDOST is on the minus strand); deleting any 3 consecutive bases within chr1:20,652,853-20,652,861 gives the same sequence; the position shown is the placement nearest the transcript's 3' end. VCF-style (leftmost placement, unchanged base first): chr1-20652852-TTTC-T. GRCh37 (hg19) VCF-style: chr1-20979345-TTTC-T.
Other names: short protein forms K354del.
Identifiers: ClinVar variation 1445368 (VCV001445368.7), dbSNP rs776647294, ClinGen allele CA661049.

ClinVar aggregate classification (germline): Uncertain significance (1 of 4 stars; one submission).

Conditions:
Congenital disorder of glycosylation type Ir (CDG1R). Also called: DDOST-congenital disorder of glycosylation. Identifiers: Orphanet 300536, MedGen C3281084, MONDO:0013789, OMIM 614507.

Submission:

Labcorp Genetics (formerly Invitae), Labcorp
Classification: Uncertain significance for Congenital disorder of glycosylation type Ir. Last evaluated: 2024-09-11. Review status: criteria provided, single submitter. Criteria: Invitae Variant Classification Sherloc (09022015). Collection method: clinical testing. Allele origin: germline.
Comment: This variant, c.1110_1112del, results in the deletion of 1 amino acid(s) of the DDOST protein (p.Lys371del), but otherwise preserves the integrity of the reading frame. This variant is present in population databases (rs776647294, gnomAD 0.06%), and has an allele count higher than expected for a pathogenic variant. This variant has not been reported in the literature in individuals affected with DDOST-related conditions. Experimental studies and prediction algorithms are not available or were not evaluated, and the functional significance of this variant is currently unknown. In summary, the available evidence is currently insufficient to determine the role of this variant in disease. Therefore, it has been classified as a Variant of Uncertain Significance.